The following is an entry in ClinVar:

ClinVar aggregate classification (germline): Conflicting classifications of pathogenicity. Review status: criteria provided, conflicting classifications (1 of 4 stars). 5 submissions from 5 submitters: Uncertain significance (4); Likely benign (1). Last evaluated 2026-01-04.

Conditions:
Arrhythmogenic cardiomyopathy with wooly hair and keratoderma. Also called: Carvajal syndrome; PALMOPLANTAR KERATODERMA WITH LEFT VENTRICULAR CARDIOMYOPATHY AND WOOLLY HAIR; Dilated cardiomyopathy with woolly hair and keratoderma; Arrhythmogenic cardiomyopathy with woolly hair and keratoderma. Identifiers: Orphanet 65282, MedGen C1854063, MONDO:0011581, OMIM 605676.
Arrhythmogenic right ventricular dysplasia 8 (ARVD8). Also called: Arrhythmogenic Right Ventricular Dysplasia/Cardiomyopathy 8; ARRHYTHMOGENIC RIGHT VENTRICULAR DYSPLASIA, FAMILIAL, 8; ARRHYTHMOGENIC RIGHT VENTRICULAR CARDIOMYOPATHY 8. Identifiers: MedGen C1843896, MONDO:0011831, OMIM 607450.
Cardiovascular phenotype. Identifiers: MedGen CN230736.
Keratosis palmoplantaris striata 2. Also called: KERATODERMA, PALMOPLANTAR, STRIATE FORM II; STRIATE PALMOPLANTAR KERATODERMA II; Keratosis palmoplantaris striata II. Identifiers: MedGen C1852127, MONDO:0013034, OMIM 612908.
Lethal acantholytic epidermolysis bullosa (EBLA). Identifiers: Orphanet 158687, MedGen C1864826, MONDO:0012323, OMIM 609638.
Woolly hair-skin fragility syndrome (WHSF). Identifiers: Orphanet 293165, MedGen C1843292, MONDO:0957307, OMIM 620415.
Cardiomyopathy, dilated, with wooly hair, keratoderma, and tooth agenesis. Also called: Erythrokeratodermia-cardiomyopathy syndrome; Cardiomyopathy, dilated, with woolly hair, keratoderma, and tooth agenesis. Identifiers: Orphanet 476096, Orphanet 65282, MedGen C4014393, MONDO:0014355, OMIM 615821.

Allele frequency attached by ClinVar (database versions not stated): TOPMed 0.00002; gnomAD 0.00003 and 0.00004.
gnomAD v4.1: 6 of 1,614,070 alleles (0.00037%); highest among the groups gnomAD compares: African/African-American, 0.008%; no homozygotes.

Submissions (5):

Labcorp Genetics (formerly Invitae), Labcorp
Classification: Likely benign for Arrhythmogenic cardiomyopathy with wooly hair and keratoderma; Arrhythmogenic right ventricular dysplasia 8. Last evaluated: 2026-01-04. Review status: criteria provided, single submitter. Criteria: Invitae Variant Classification Sherloc (09022015). Collection method: clinical testing. Allele origin: germline.

Ambry Genetics
Classification: Uncertain significance for Cardiovascular phenotype. Last evaluated: 2025-09-17. Review status: criteria provided, single submitter. Criteria: Ambry Variant Classification Scheme 2023. Collection method: clinical testing. Allele origin: germline.
Comment: The p.K1228N variant (also known as c.3684A>C), located in coding exon 23 of the DSP gene, results from an A to C substitution at nucleotide position 3684. The lysine at codon 1228 is replaced by asparagine, an amino acid with similar properties. This amino acid position is conserved. In addition, the in silico prediction for this alteration is inconclusive. Based on the available evidence, the clinical significance of this variant remains unclear.

GeneDx
Classification: Uncertain significance. Last evaluated: 2024-11-26. Review status: criteria provided, single submitter. Criteria: GeneDx Variant Classification Process June 2021. Collection method: clinical testing. Allele origin: germline. Affected: yes.
Comment: Not observed at significant frequency in large population cohorts (gnomAD); In silico analysis indicates that this missense variant does not alter protein structure/function; Has not been previously published as pathogenic or benign to our knowledge

All of Us Research Program, National Institutes of Health
Classification: Uncertain significance for Arrhythmogenic cardiomyopathy with wooly hair and keratoderma. Last evaluated: 2023-06-26. Review status: criteria provided, single submitter. Criteria: ACMG Guidelines, 2015. Collection method: clinical testing. Allele origin: germline. Inheritance: Autosomal dominant inheritance. Observed: 1 variant allele, 1 heterozygote.
Comment: This missense variant replaces lysine with asparagine at codon 1228 of the DSP protein. Computational prediction suggests that this variant may not impact protein structure and function (internally defined REVEL score threshold <= 0.5, PMID: 27666373). To our knowledge, functional studies have not been reported for this variant. This variant has not been reported in individuals affected with DSP-related disorders in the literature. This variant has been identified in 1/31402 chromosomes in the general population by the Genome Aggregation Database (gnomAD). The available evidence is insufficient to determine the role of this variant in disease conclusively. Therefore, this variant is classified as a Variant of Uncertain Significance.

This study involves interpretation of variants in research participants for the purpose of population health screening. Participant phenotype was not available at the time of variant classification. Additional details can be found in publication PMID: 35346344, PMCID: PMC8962531

Fulgent Genetics
Classification: Uncertain significance for Arrhythmogenic cardiomyopathy with wooly hair and keratoderma; Arrhythmogenic right ventricular dysplasia 8; Lethal acantholytic epidermolysis bullosa; Keratosis palmoplantaris striata 2; Cardiomyopathy, dilated, with wooly hair, keratoderma, and tooth agenesis. Last evaluated: 2021-07-13. Review status: criteria provided, single submitter. Criteria: ACMG Guidelines, 2015. Collection method: clinical testing. Allele origin: unknown.

NM_004415.4(DSP):c.3684A>C (p.Lys1228Asn)

Gene: DSP (desmoplakin; plus strand). Cytogenetic location: 6p24.3.
Variant type: single nucleotide variant.
Coding change: c.3684A>C on transcript NM_004415.4 (MANE Select); coding-DNA position 3684, A replaced by C.
Protein change: p.Lys1228Asn; replaces lysine 1228 with asparagine.
Molecular consequence: missense variant. On other transcripts: intron variant (1).
Genome position (GRCh38, 1-based): chr6:7,579,874, A>C. VCF-style: chr6-7579874-A-C. GRCh37 (hg19) VCF-style: chr6-7580107-A-C.
Other names: c.3684A>C, p.Lys1228Asn (NM_001319034.2); c.3582+102A>C (NM_001008844.3); short protein forms K1228N.
Identifiers: ClinVar variation 956447 (VCV000956447.14), dbSNP rs765645957, ClinGen allele CA362684626.